The following is an entry in ClinVar:

NM_000083.3(CLCN1):c.870C>G (p.Ile290Met)

Gene: CLCN1 (chloride voltage-gated channel 1; plus strand). Cytogenetic location: 7q34.
Variant type: single nucleotide variant.
Coding change: c.870C>G on transcript NM_000083.3 (MANE Select); coding-DNA position 870, C replaced by G.
Protein change: p.Ile290Met; replaces isoleucine 290 with methionine.
Molecular consequence: missense variant. On other transcripts: non-coding transcript variant (1).
Genome position (GRCh38, 1-based): chr7:143,330,788, C>G. VCF-style: chr7-143330788-C-G. GRCh37 (hg19) VCF-style: chr7-143027881-C-G.
Other names: short protein forms I290M.
Identifiers: ClinVar variation 17539 (VCV000017539.16), dbSNP rs80356690, ClinGen allele CA258020.

ClinVar aggregate classification (germline): Pathogenic. Review status: criteria provided, multiple submitters, no conflicts (2 of 4 stars). 9 submissions from 8 submitters: Pathogenic (7). 2 of the submissions do not count toward it. Last evaluated 2025-05-23.

Conditions:
CLCN1-related disorder. Also called: CLCN1-related condition.
Congenital myotonia, autosomal dominant form (THD). Also called: Myotonia congenita autosomal dominant; THOMSEN DISEASE. Identifiers: Orphanet 614, MedGen C2936781, MONDO:0008055, OMIM 160800.
Congenital myotonia, autosomal recessive form. Also called: BECKER DISEASE; Becker Generalized Myotonia; myotonia congenita, autosomal recessive. Identifiers: Orphanet 614, MedGen C0751360, MONDO:0009715, OMIM 255700.
Batten-Turner congenital myopathy. Also called: Congenital myotonia; Myotonia congenita. Identifiers: Orphanet 206973, MedGen C0027127, MONDO:0100468, OMIM 255300.
Myotonia. Identifiers: MedGen C0700153, HP:0002486.

Submissions (9):

GeneDx
Classification: Pathogenic. Last evaluated: 2025-05-23. Review status: criteria provided, single submitter. Criteria: GeneDx Variant Classification Process June 2021. Collection method: clinical testing. Allele origin: germline. Affected: yes.
Comment: Published functional studies demonstrate a damaging effect to CIC1 channel function (PMID: 10051520, 10962018, 8845168); Not observed at significant frequency in large population cohorts (gnomAD); In silico analysis supports that this missense variant has a deleterious effect on protein structure/function; This variant is associated with the following publications: (PMID: 10962018, 8845168, 28427807, 12390967, 23739125, 7581380, 8857727, 34106991, 37892996, 36659963, 33263785, 10051520, 25036107)

Women's Health and Genetics/Laboratory Corporation of America, LabCorp
Classification: Pathogenic for Congenital myotonia, autosomal recessive form. Last evaluated: 2024-06-26. Review status: criteria provided, single submitter. Criteria: LabCorp Variant Classification Summary - May 2015. Collection method: clinical testing. Allele origin: germline.
Comment: Variant summary: CLCN1 c.870C>G (p.Ile290Met) results in a conservative amino acid change in the encoded protein sequence. Four of five in-silico tools predict a damaging effect of the variant on protein function. The variant was absent in 251366 control chromosomes. c.870C>G has been reported in the literature in nine heterozygous individuals in two families affected with Myotonia congenita and this variant show segregation with disease (Lehmann-Horn_1995, Koty_1996). These data indicate that the variant is very likely to be associated with disease. To our knowledge, no experimental evidence demonstrating an impact on protein function has been reported. The following publications have been ascertained in the context of this evaluation (PMID: 8857727, 7581380). ClinVar contains an entry for this variant (Variation ID: 17539). Based on the evidence outlined above, the variant was classified as pathogenic.

Labcorp Genetics (formerly Invitae), Labcorp
Classification: Pathogenic for Congenital myotonia, autosomal recessive form; Congenital myotonia, autosomal dominant form. Last evaluated: 2024-03-04. Review status: criteria provided, single submitter. Criteria: Invitae Variant Classification Sherloc (09022015). Collection method: clinical testing. Allele origin: germline.
Comment: This sequence change replaces isoleucine, which is neutral and non-polar, with methionine, which is neutral and non-polar, at codon 290 of the CLCN1 protein (p.Ile290Met). This variant is not present in population databases (gnomAD no frequency). This missense change has been observed in individuals with autosomal dominant congenital myotonia (PMID: 758138, 12390967, 23739125, 25036107). It has also been observed to segregate with disease in related individuals. This variant has been reported in individual(s) with autosomal recessive congenital myotonia (PMID: 23739125); however, the role of the variant in this condition is currently unclear. ClinVar contains an entry for this variant (Variation ID: 17539). Advanced modeling of protein sequence and biophysical properties (such as structural, functional, and spatial information, amino acid conservation, physicochemical variation, residue mobility, and thermodynamic stability) performed at Invitae indicates that this missense variant is expected to disrupt CLCN1 protein function with a positive predictive value of 80%. Experimental studies have shown that this missense change affects CLCN1 function (PMID: 10051520, 10962018). For these reasons, this variant has been classified as Pathogenic.

PreventionGenetics, part of Exact Sciences
Classification: Pathogenic for CLCN1-related condition. Last evaluated: 2023-08-11. Review status: criteria provided, single submitter. Criteria: ACMG Guidelines, 2015. Collection method: clinical testing. Allele origin: germline.
Comment: The CLCN1 c.870C>G variant is predicted to result in the amino acid substitution p.Ile290Met. This variant has been reported in several individuals with autosomal dominant congenital myotonia (see for example, Lehmann-Horn et al. 1995. PubMed ID: 7581380; Brugnoni et al. 2013. PubMed ID: 23739125; Vereb et al. 2020. PubMed ID: 33263785; Babić Božović et al. 2021. PubMed ID: 34106991). This variant has not been reported in a large population database, indicating this variant is rare. This variant is interpreted as pathogenic.

Athena Diagnostics
Classification: Pathogenic. Last evaluated: 2020-11-03. Review status: criteria provided, single submitter. Criteria: Athena Diagnostics criteria. Collection method: clinical testing. Allele origin: unknown.
Comment: This variant has not been reported in large, multi-ethnic general populations. This variant segregates with disease in multiple families. Assessment of experimental evidence suggests this variant results in abnormal protein function. Study shows this variant causes a reduction of the gate open probability (PMID: 10051520). Computational tools predict that this variant is damaging.

Centre for Mendelian Genomics, University Medical Centre Ljubljana
Classification: Pathogenic for Myotonia. Last evaluated: 2017-01-01. Review status: criteria provided, single submitter. Criteria: ACMG Guidelines, 2015. Collection method: clinical testing. Allele origin: unknown. Affected: yes.

Centre for Mendelian Genomics, University Medical Centre Ljubljana
Classification: Pathogenic for Congenital myotonia, autosomal recessive form. Last evaluated: 2016-01-01. Review status: criteria provided, single submitter. Criteria: ACMG Guidelines, 2015. Collection method: clinical testing. Allele origin: unknown. Affected: yes.
Comment: This variant was classified as: Pathogenic.

OMIM
Classification: Pathogenic for MYOTONIA CONGENITA, AUTOSOMAL DOMINANT. Last evaluated: 1995-08-01. Review status: no assertion criteria provided. Collection method: literature only. Allele origin: germline. Not counted in ClinVar's aggregate classification.

GeneReviews
No classification provided. Condition: Batten-Turner congenital myopathy. Review status: no classification provided. Collection method: literature only. Allele origin: unknown. Not counted in ClinVar's aggregate classification.

Literature cited by the submitters: PubMed 8857727 (cited by Women's Health and Genetics/Laboratory Corporation of America, LabCorp and Athena Diagnostics); PubMed 7581380 (cited by 4 submitters); PubMed 758138 (cited by Labcorp Genetics (formerly Invitae), Labcorp); PubMed 12390967 (cited by Labcorp Genetics (formerly Invitae), Labcorp and Athena Diagnostics); PubMed 23739125 (cited by Labcorp Genetics (formerly Invitae), Labcorp and Athena Diagnostics); PubMed 25036107 (cited by Labcorp Genetics (formerly Invitae), Labcorp and Athena Diagnostics); PubMed 10051520 (cited by Labcorp Genetics (formerly Invitae), Labcorp and Athena Diagnostics); PubMed 10962018 (cited by Labcorp Genetics (formerly Invitae), Labcorp and Athena Diagnostics); PubMed 8533761 (cited by Athena Diagnostics); PubMed 28427807 (cited by Athena Diagnostics); PubMed 24349310 (cited by Athena Diagnostics); PubMed 8845168 (cited by Athena Diagnostics); PubMed 20301529 (cited by GeneReviews); NCBI Bookshelf NBK1355 (cited by GeneReviews).